The following is an entry in ClinVar:

ClinVar aggregate classification (germline): Benign (1 of 4 stars; one submission).

Conditions:
Retinitis pigmentosa (RP). Identifiers: Orphanet 791, MedGen C0035334, MeSH D012174, MONDO:0019200, OMIM 268000. Inheritance: Autosomal dominant, autosomal recessive and X linked inheritance.

Allele frequency attached by ClinVar (database versions not stated): 1000 Genomes Project 0.32308; 1000 Genomes Project 30x 0.32464; TOPMed 0.36821; gnomAD 0.37373 and 0.37685.

Submission:

Illumina Laboratory Services, Illumina
Classification: Benign for Retinitis pigmentosa. Last evaluated: 2018-01-13. Review status: criteria provided, single submitter. Criteria: ICSL Variant Classification Criteria 13 December 2019. Collection method: clinical testing. Allele origin: germline.
Comment: This variant was observed in the ICSL laboratory as part of a predisposition screen in an ostensibly healthy population. It had not been previously curated by ICSL or reported in the Human Gene Mutation Database (HGMD: prior to June 1st, 2018), and was therefore a candidate for classification through an automated scoring system. Utilizing variant allele frequency, disease prevalence and penetrance estimates, and inheritance mode, an automated score was calculated to assess if this variant is too frequent to cause the disease. Based on the score and internal cut-off values, a variant classified as benign is not then subjected to further curation. The score for this variant resulted in a classification of benign for this disease.

NM_000440.3(PDE6A):c.*2542G>A

Gene: PDE6A (phosphodiesterase 6A; minus strand). Cytogenetic location: 5q32.
Variant type: single nucleotide variant.
Coding change: c.*2542G>A on transcript NM_000440.3 (MANE Select); 2542 bases downstream of the stop codon, G replaced by A.
Molecular consequence: 3 prime UTR variant.
Genome position (GRCh38, 1-based): chr5:149,858,353, C>T on the plus strand (G>A on the coding strand, the complement: PDE6A is on the minus strand). VCF-style: chr5-149858353-C-T. GRCh37 (hg19) VCF-style: chr5-149237916-C-T.
Identifiers: ClinVar variation 351943 (VCV000351943.5), dbSNP rs30884, ClinGen allele CA10619616.
Genomic context (GRCh38, chr5:149,858,353, plus strand): 5'-AAAAAATCAAGATTTGGACAAGTGTAACAAATTGACTTGCAAATTTTTAGCATGTTATTG[C>T]CATTTTCAACTTCTGGTTTATTTGTGCTGTTTTCAACATCAGTTACTATGGTATGAATGC-3'